The following is an entry in ClinVar:

ClinVar aggregate classification (germline): Uncertain significance (1 of 4 stars; one submission).

Submission:

Ambry Genetics
Classification: Uncertain significance. Last evaluated: 2025-06-08. Review status: criteria provided, single submitter. Criteria: Ambry Variant Classification Scheme 2023. Collection method: clinical testing. Allele origin: germline.
Comment: The p.P41S variant (also known as c.121C>T), located in coding exon 1 of the PALLD gene, results from a C to T substitution at nucleotide position 121. The proline at codon 41 is replaced by serine, an amino acid with similar properties. This amino acid position is conserved. In addition, this alteration is predicted to be tolerated by in silico analysis. Based on the available evidence, the clinical significance of this variant remains unclear.

NM_001166108.2(PALLD):c.1965-12910C>T

Gene: PALLD (palladin, cytoskeletal associated protein; plus strand). Cytogenetic location: 4q32.3.
Variant type: single nucleotide variant.
Coding change: c.1965-12910C>T on transcript NM_001166108.2 (MANE Select); 12910 bases into the intron before coding-DNA position 1965, C replaced by T.
Molecular consequence: intron variant. On other transcripts: missense variant (1).
Genome position (GRCh38, 1-based): chr4:168,878,012, C>T. VCF-style: chr4-168878012-C-T. GRCh37 (hg19) VCF-style: chr4-169799163-C-T.
Other names: c.121C>T, p.Pro41Ser (NM_001166110.2); c.1965-12910C>T (NM_016081.4); c.819-12910C>T (NM_001166109.2); c.-157-12910C>T (NM_001367570.1, NM_001367568.1, NM_001367567.1 and 1 more transcripts); short protein forms P41S.
Identifiers: ClinVar variation 3927573 (VCV003927573.1).